The following is an entry in ClinVar:

ClinVar aggregate classification (germline): Uncertain significance (1 of 4 stars; one submission).

Conditions:
Tay-Sachs disease (TSD). Also called: GM2 gangliosidosis, type 1; Hexosaminidase alpha-subunit deficiency (variant B); Sphingolipidosis, Tay-Sachs; Hexosaminidase A Deficiency; HEXA DEFICIENCY; HEXA Disorders. Identifiers: Orphanet 845, MedGen C0039373, MONDO:0010100, OMIM 272800.

Allele frequency attached by ClinVar (database versions not stated): gnomAD exomes below 0.00001.
gnomAD v4.1: 1 of 1,613,972 alleles (0.000062%); highest among the groups gnomAD compares: Admixed American, 0.0017%; no homozygotes.

Submission:

Labcorp Genetics (formerly Invitae), Labcorp
Classification: Uncertain significance for Tay-Sachs disease. Last evaluated: 2018-04-12. Review status: criteria provided, single submitter. Criteria: Invitae Variant Classification Sherloc (09022015). Collection method: clinical testing. Allele origin: germline.
Comment: This sequence change replaces tyrosine with cysteine at codon 227 of the HEXA protein (p.Tyr227Cys). The tyrosine residue is moderately conserved and there is a large physicochemical difference between tyrosine and cysteine. This variant is not present in population databases (ExAC no frequency). This variant has not been reported in the literature in individuals with HEXA-related disease. Algorithms developed to predict the effect of missense changes on protein structure and function (SIFT, PolyPhen-2, Align-GVGD) all suggest that this variant is likely to be disruptive, but these predictions have not been confirmed by published functional studies and their clinical significance is uncertain. In summary, the available evidence is currently insufficient to determine the role of this variant in disease. Therefore, it has been classified as a Variant of Uncertain Significance.

NM_000520.6(HEXA):c.680A>G (p.Tyr227Cys)

Gene: HEXA (hexosaminidase subunit alpha; minus strand). Cytogenetic location: 15q23.
Variant type: single nucleotide variant.
Coding change: c.680A>G on transcript NM_000520.6 (MANE Select); coding-DNA position 680, A replaced by G.
Protein change: p.Tyr227Cys; replaces tyrosine 227 with cysteine.
Molecular consequence: missense variant. On other transcripts: non-coding transcript variant (1).
Genome position (GRCh38, 1-based): chr15:72,350,643, T>C on the plus strand (A>G on the coding strand, the complement: HEXA is on the minus strand). VCF-style: chr15-72350643-T-C. GRCh37 (hg19) VCF-style: chr15-72642984-T-C.
Other names: c.713A>G, p.Tyr238Cys (NM_001318825.2); short protein forms Y238C, Y227C.
Identifiers: ClinVar variation 2168812 (VCV002168812.1), dbSNP rs1291892323, ClinGen allele CA393063352.